The following is an entry in ClinVar:

NM_182641.4(BPTF):c.1424G>A (p.Arg475Gln)

Gene: BPTF (bromodomain PHD finger transcription factor; plus strand). Cytogenetic location: 17q24.2.
Variant type: single nucleotide variant.
Coding change: c.1424G>A on transcript NM_182641.4 (MANE Select); coding-DNA position 1424, G replaced by A.
Protein change: p.Arg475Gln; replaces arginine 475 with glutamine.
Molecular consequence: missense variant.
Genome position (GRCh38, 1-based): chr17:67,854,750, G>A. VCF-style: chr17-67854750-G-A. GRCh37 (hg19) VCF-style: chr17-65850866-G-A.
Other names: c.1424G>A, p.Arg475Gln (NM_004459.7); c.1424G>A (NM_004459.6); short protein forms R475Q.
Identifiers: ClinVar variation 1709195 (VCV001709195.2), dbSNP rs2510102579, ClinGen allele CA400721889.
Genomic context (GRCh38, chr17:67,854,750, plus strand): 5'-ATATTCGACATGAACCTATTGGATATGATAGAAGTCGGAGGAAATACTGGTTCTTGAACC[G>A]AAGACTCATAATGTAAGTAAATCTGGTCTTAATTTTTTGTATGCATTTAAAATTAGACTA-3'
Protein context (NP_872579.2, residues 465-485): RSRRKYWFLN[Arg475Gln]RLIIEEDTEN

ClinVar aggregate classification (germline): Conflicting classifications of pathogenicity. Review status: criteria provided, conflicting classifications (1 of 4 stars). 2 submissions from 2 submitters: Likely pathogenic (1); Uncertain significance (1). Last evaluated 2022-05-25.

Conditions:
Neurodevelopmental disorder with dysmorphic facies and distal limb anomalies. Identifiers: Orphanet 686482, MedGen C4540327, MONDO:0060596, OMIM 617755.

Submissions (2):

GeneDx
Classification: Uncertain significance. Last evaluated: 2022-05-25. Review status: criteria provided, single submitter. Criteria: GeneDx Variant Classification Process June 2021. Collection method: clinical testing. Allele origin: germline. Affected: yes.
Comment: Not observed at significant frequency in large population cohorts (gnomAD); In silico analysis supports that this missense variant has a deleterious effect on protein structure/function; Has not been previously published as pathogenic or benign to our knowledge

MGZ Medical Genetics Center
Classification: Likely pathogenic for Neurodevelopmental disorder with dysmorphic facies and distal limb anomalies. Last evaluated: 2022-02-11. Review status: criteria provided, single submitter. Criteria: ACMG Guidelines, 2015. Collection method: clinical testing. Allele origin: germline. Affected: yes. Observed: 1 variant allele.
Comment: ACMG criteria applied: PS2, PM2_SUP, PP3